The following is an entry in ClinVar:

NM_006648.4(WNK2):c.6308C>A (p.Pro2103His)

Gene: WNK2 (WNK lysine deficient protein kinase 2; plus strand). Cytogenetic location: 9q22.31.
Variant type: single nucleotide variant.
Coding change: c.6308C>A on transcript NM_006648.4 (MANE Select); coding-DNA position 6308, C replaced by A.
Protein change: p.Pro2103His; replaces proline 2103 with histidine.
Molecular consequence: missense variant.
Genome position (GRCh38, 1-based): chr9:93,308,376, C>A. VCF-style: chr9-93308376-C-A. GRCh37 (hg19) VCF-style: chr9-96070658-C-A.
Other names: c.6419C>A, p.Pro2140His (NM_001282394.3); short protein forms P2103H, P2140H.
Identifiers: ClinVar variation 5031999 (VCV005031999.1).

ClinVar aggregate classification (germline): Uncertain significance (1 of 4 stars; one submission).

gnomAD v4.1: 2 of 1,562,498 alleles (0.00013%); highest among the groups gnomAD compares: Non-Finnish European, 0.00017%; no homozygotes.

Submission:

Ambry Genetics
Classification: Uncertain significance. Last evaluated: 2026-09-14. Review status: criteria provided, single submitter. Criteria: Ambry Variant Classification Scheme 2023. Collection method: clinical testing. Allele origin: germline.
Comment: The p.P2103H variant (also known as c.6308C>A), located in coding exon 27 of the WNK2 gene, results from a C to A substitution at nucleotide position 6308. The proline at codon 2103 is replaced by histidine, an amino acid with similar properties. This amino acid position is conserved. In addition, this alteration is predicted to be tolerated by in silico analysis. Based on the available evidence, the clinical significance of this variant remains unclear.